The following is an entry in ClinVar:

NM_000455.5(STK11):c.10G>C (p.Val4Leu)

Gene: STK11 (serine/threonine kinase 11; plus strand). Cytogenetic location: 19p13.3.
Variant type: single nucleotide variant.
Coding change: c.10G>C on transcript NM_000455.5 (MANE Select); coding-DNA position 10, G replaced by C.
Protein change: p.Val4Leu; replaces valine 4 with leucine.
Molecular consequence: missense variant.
Genome position (GRCh38, 1-based): chr19:1,206,923, G>C. VCF-style: chr19-1206923-G-C. GRCh37 (hg19) VCF-style: chr19-1206922-G-C.
Other names: short protein forms V4L.
Identifiers: ClinVar variation 1051732 (VCV001051732.12), dbSNP rs767300470, ClinGen allele CA045160.

ClinVar aggregate classification (germline): Conflicting classifications of pathogenicity. Review status: criteria provided, conflicting classifications (1 of 4 stars). 3 submissions from 3 submitters: Uncertain significance (2); Likely benign (1). Last evaluated 2026-09-11.

Conditions:
Peutz-Jeghers syndrome (PJS). Also called: POLYPOSIS, HAMARTOMATOUS INTESTINAL; POLYPS-AND-SPOTS SYNDROME; Peutz-Jeghers polyposis; Periorificial lentiginosis syndrome. Identifiers: Orphanet 2869, MedGen C0031269, MeSH D010580, MONDO:0008280, OMIM 175200.
Hereditary cancer-predisposing syndrome. Also called: Tumor predisposition; Hereditary Cancer Syndrome; Hereditary neoplastic syndrome; Neoplastic Syndromes, Hereditary. Identifiers: Orphanet 140162, MedGen C0027672, MeSH D009386, MONDO:0015356.

Allele frequency attached by ClinVar (database versions not stated): ExAC 0.00003; gnomAD exomes 0.00001.

Submissions (3):

Ambry Genetics
Classification: Likely benign for Hereditary cancer-predisposing syndrome. Last evaluated: 2026-09-11. Review status: criteria provided, single submitter. Criteria: Ambry Variant Classification Scheme 2023. Collection method: clinical testing. Allele origin: germline.

Color Diagnostics, LLC DBA Color Health
Classification: Uncertain significance for Hereditary cancer-predisposing syndrome. Last evaluated: 2025-07-14. Review status: criteria provided, single submitter. Criteria: ACMG Guidelines, 2015. Collection method: clinical testing. Allele origin: germline.
Comment: This missense variant replaces valine with leucine at codon 4 of the STK11 protein. Computational prediction suggests that this variant may not impact protein structure and function. To our knowledge, functional studies have not been reported for this variant. This variant has not been reported in individuals affected with STK11-related disorders in the literature. This variant has been identified in 1/198200 chromosomes in the general population by the Genome Aggregation Database (gnomAD). The available evidence is insufficient to determine the role of this variant in disease conclusively. Therefore, this variant is classified as a Variant of Uncertain Significance.

Labcorp Genetics (formerly Invitae), Labcorp
Classification: Uncertain significance for Peutz-Jeghers syndrome. Last evaluated: 2020-02-05. Review status: criteria provided, single submitter. Criteria: Invitae Variant Classification Sherloc (09022015). Collection method: clinical testing. Allele origin: germline.
Comment: In summary, the available evidence is currently insufficient to determine the role of this variant in disease. Therefore, it has been classified as a Variant of Uncertain Significance. Algorithms developed to predict the effect of missense changes on protein structure and function (SIFT, PolyPhen-2, Align-GVGD) all suggest that this variant is likely to be tolerated, but these predictions have not been confirmed by published functional studies and their clinical significance is uncertain. This variant has not been reported in the literature in individuals with STK11-related conditions. This variant is present in population databases (rs767300470, ExAC 0.007%). This sequence change replaces valine with leucine at codon 4 of the STK11 protein (p.Val4Leu). The valine residue is weakly conserved and there is a small physicochemical difference between valine and leucine.